The following is an entry in ClinVar:

ClinVar aggregate classification (germline): Uncertain significance (1 of 4 stars; one submission).

Conditions:
Primary familial hypertrophic cardiomyopathy (HCM). Identifiers: Orphanet 99739, MedGen C0949658, MeSH D024741, MONDO:0024573. Inheritance: Various modes of inheritance.

Allele frequency attached by ClinVar (database versions not stated): gnomAD exomes below 0.00001; ExAC 0.00001.
gnomAD v4.1: 2 of 1,614,156 alleles (0.00012%); highest among the groups gnomAD compares: Non-Finnish European, 0.00017%; no homozygotes.

Submission:

Labcorp Genetics (formerly Invitae), Labcorp
Classification: Uncertain significance for Primary familial hypertrophic cardiomyopathy. Last evaluated: 2022-08-13. Review status: criteria provided, single submitter. Criteria: Invitae Variant Classification Sherloc (09022015). Collection method: clinical testing. Allele origin: germline.
Comment: This variant has not been reported in the literature in individuals affected with ILK-related conditions. Algorithms developed to predict the effect of missense changes on protein structure and function are either unavailable or do not agree on the potential impact of this missense change (SIFT: "Deleterious"; PolyPhen-2: "Probably Damaging"; Align-GVGD: "Class C0"). In summary, the available evidence is currently insufficient to determine the role of this variant in disease. Therefore, it has been classified as a Variant of Uncertain Significance. This variant is present in population databases (rs755641968, gnomAD 0.0009%). This sequence change replaces aspartic acid, which is acidic and polar, with asparagine, which is neutral and polar, at codon 92 of the ILK protein (p.Asp92Asn).

NM_004517.4(ILK):c.274G>A (p.Asp92Asn)

Genes: ILK (integrin linked kinase; plus strand), TAF10 (TATA-box binding protein associated factor 10; minus strand). Cytogenetic location: 11p15.4.
Variant type: single nucleotide variant.
Coding change: c.274G>A on transcript NM_004517.4 (MANE Select); coding-DNA position 274, G replaced by A.
Protein change: p.Asp92Asn; replaces aspartic acid 92 with asparagine.
Molecular consequence: missense variant. On other transcripts: 5 prime UTR variant (1), 3 prime UTR variant (1).
Genome position (GRCh38, 1-based): chr11:6,608,412, G>A. VCF-style: chr11-6608412-G-A. GRCh37 (hg19) VCF-style: chr11-6629642-G-A.
Other names: c.274G>A, p.Asp92Asn (NM_001014794.3, NM_001014795.3, NM_001278441.2); c.-129G>A (NM_001278442.2); c.*2510C>T (NM_006284.4); short protein forms D92N.
Identifiers: ClinVar variation 2013818 (VCV002013818.4), dbSNP rs755641968, ClinGen allele CA5858008.